The following is an entry in ClinVar:

NM_004859.4(CLTC):c.2591C>T (p.Ala864Val)

Gene: CLTC (clathrin heavy chain; plus strand). Cytogenetic location: 17q23.1.
Variant type: single nucleotide variant.
Coding change: c.2591C>T on transcript NM_004859.4 (MANE Select); coding-DNA position 2591, C replaced by T.
Protein change: p.Ala864Val; replaces alanine 864 with valine.
Molecular consequence: missense variant.
Genome position (GRCh38, 1-based): chr17:59,676,983, C>T. VCF-style: chr17-59676983-C-T. GRCh37 (hg19) VCF-style: chr17-57754344-C-T.
Other names: c.2603C>T, p.Ala868Val (NM_001288653.2); short protein forms A864V, A868V.
Identifiers: ClinVar variation 3687300 (VCV003687300.2).

ClinVar aggregate classification (germline): Uncertain significance (1 of 4 stars; one submission).

gnomAD v4.1: 11 of 1,614,026 alleles (0.00068%); highest among the groups gnomAD compares: Non-Finnish European, 0.00093%; no homozygotes.

Submission:

Labcorp Genetics (formerly Invitae), Labcorp
Classification: Uncertain significance. Last evaluated: 2024-03-27. Review status: criteria provided, single submitter. Criteria: Invitae Variant Classification Sherloc (09022015). Collection method: clinical testing. Allele origin: germline.
Comment: This sequence change replaces alanine, which is neutral and non-polar, with valine, which is neutral and non-polar, at codon 868 of the CLTC protein (p.Ala868Val). This variant is not present in population databases (gnomAD no frequency). This variant has not been reported in the literature in individuals affected with CLTC-related conditions. Advanced modeling of protein sequence and biophysical properties (such as structural, functional, and spatial information, amino acid conservation, physicochemical variation, residue mobility, and thermodynamic stability) performed at Invitae indicates that this missense variant is not expected to disrupt CLTC protein function with a negative predictive value of 80%. In summary, the available evidence is currently insufficient to determine the role of this variant in disease. Therefore, it has been classified as a Variant of Uncertain Significance.